The following is an entry in ClinVar:

ClinVar aggregate classification (germline): Uncertain significance (1 of 4 stars; one submission).

Conditions:
Hereditary cancer-predisposing syndrome. Also called: Neoplastic Syndromes, Hereditary; Tumor predisposition; Hereditary neoplastic syndrome; Hereditary Cancer Syndrome. Identifiers: Orphanet 140162, MedGen C0027672, MeSH D009386, MONDO:0015356.

Submission:

Ambry Genetics
Classification: Uncertain significance for Hereditary cancer-predisposing syndrome. Last evaluated: 2026-07-30. Review status: criteria provided, single submitter. Criteria: Ambry Variant Classification Scheme 2023. Collection method: clinical testing. Allele origin: germline.
Comment: The p.C332S variant (also known as c.995G>C), located in coding exon 11 of the MUTYH gene, results from a G to C substitution at nucleotide position 995. The cysteine at codon 332 is replaced by serine, an amino acid with dissimilar properties. In a massively parallel cell-based functional assay testing 7,8-dihydro-8-oxoguanine:adenine (8OG:A) repair activity, a byproduct of oxidative damage, this variant was reported to be inconclusive (Hemker SL et al. Am J Hum Genet, 2025 Sep;112:2010-2026). This amino acid position is well conserved in available vertebrate species. In addition, the in silico prediction for this alteration is inconclusive. Based on the available evidence, the clinical significance of this variant remains unclear.

Literature cited by the submitters: PubMed 40738107.

NM_001048174.2(MUTYH):c.911G>C (p.Cys304Ser)

Gene: MUTYH (mutY DNA glycosylase; minus strand). Cytogenetic location: 1p34.1.
Variant type: single nucleotide variant.
Coding change: c.911G>C on transcript NM_001048174.2 (MANE Select); coding-DNA position 911, G replaced by C.
Protein change: p.Cys304Ser; replaces cysteine 304 with serine.
Molecular consequence: missense variant. On other transcripts: non-coding transcript variant (7).
Genome position (GRCh38, 1-based): chr1:45,332,025, C>G on the plus strand (G>C on the coding strand, the complement: MUTYH is on the minus strand). VCF-style: chr1-45332025-C-G. GRCh37 (hg19) VCF-style: chr1-45797697-C-G.
Other names: c.944G>C, p.Cys315Ser (NM_001407077.1, NM_001407069.1, NM_001293191.2); c.914G>C, p.Cys305Ser (NM_001407078.1, NM_001407086.1, NM_001407071.1 and 1 more transcripts); c.872G>C, p.Cys291Ser (NM_001407079.1); c.869G>C, p.Cys290Ser (NM_001407080.1); c.911G>C, p.Cys304Ser (NM_001407081.1, NM_001407070.1, NM_001407072.1 and 6 more transcripts); c.566G>C, p.Cys189Ser (NM_001407082.1, NM_001350650.2, NM_001350651.2); c.953G>C, p.Cys318Ser (NM_001407083.1, NM_001407085.1); c.932G>C, p.Cys311Ser (NM_001407087.1); and 5 more; short protein forms C212S, C290S, C291S, C305S, C315S, C189S, C304S, C329S.
Identifiers: ClinVar variation 5025002 (VCV005025002.1).